The following is an entry in ClinVar:

ClinVar aggregate classification (germline): Uncertain significance (1 of 4 stars; one submission).

Conditions:
Developmental and epileptic encephalopathy, 30 (DEE30). Also called: Epileptic encephalopathy, early infantile, 30. Identifiers: MedGen C4225360, MONDO:0014595, OMIM 616341.

Submission:

Labcorp Genetics (formerly Invitae), Labcorp
Classification: Uncertain significance for Developmental and epileptic encephalopathy, 30. Last evaluated: 2026-02-01. Review status: criteria provided, single submitter. Criteria: Invitae Variant Classification Sherloc (09022015). Collection method: clinical testing. Allele origin: germline.
Comment: This sequence change replaces glycine, which is neutral and non-polar, with tryptophan, which is neutral and slightly polar, at codon 556 of the SIK1 protein (p.Gly556Trp). This variant is not present in population databases (gnomAD no frequency). This variant has not been reported in the literature in individuals affected with SIK1-related conditions. Invitae Evidence Modeling of protein sequence and biophysical properties (such as structural, functional, and spatial information, amino acid conservation, physicochemical variation, residue mobility, and thermodynamic stability) indicates that this missense variant is not expected to disrupt SIK1 protein function with a negative predictive value of 95%. In summary, the available evidence is currently insufficient to determine the role of this variant in disease. Therefore, it has been classified as a Variant of Uncertain Significance.

NM_173354.5(SIK1):c.1666G>T (p.Gly556Trp)

Gene: SIK1 (salt inducible kinase 1; minus strand). Cytogenetic location: 21q22.3.
Variant type: single nucleotide variant.
Coding change: c.1666G>T on transcript NM_173354.5 (MANE Select); coding-DNA position 1666, G replaced by T.
Protein change: p.Gly556Trp; replaces glycine 556 with tryptophan.
Molecular consequence: missense variant.
Genome position (GRCh38, 1-based): chr21:43,418,338, C>A on the plus strand (G>T on the coding strand, the complement: SIK1 is on the minus strand). VCF-style: chr21-43418338-C-A. GRCh37 (hg19) VCF-style: chr21-44838218-C-A.
Other names: short protein forms G556W.
Identifiers: ClinVar variation 4768868 (VCV004768868.1).